The following is an entry in ClinVar:

NM_001382567.1(STIM1):c.146G>A (p.Cys49Tyr)

Gene: STIM1 (stromal interaction molecule 1; plus strand). Cytogenetic location: 11p15.4.
Variant type: single nucleotide variant.
Coding change: c.146G>A on transcript NM_001382567.1 (MANE Select); coding-DNA position 146, G replaced by A.
Protein change: p.Cys49Tyr; replaces cysteine 49 with tyrosine.
Molecular consequence: missense variant. On other transcripts: 5 prime UTR variant (8), non-coding transcript variant (3), intron variant (4).
Genome position (GRCh38, 1-based): chr11:3,967,558, G>A. VCF-style: chr11-3967558-G-A. GRCh37 (hg19) VCF-style: chr11-3988788-G-A.
Other names: c.146G>A, p.Cys49Tyr (NM_001277961.3, NM_001277962.2, NM_001382568.1 and 3 more transcripts); c.-77G>A (NM_001382566.1, NM_001382573.1, NM_001382574.1 and 5 more transcripts); c.-219-56315G>A (NM_001382580.1, NM_001382581.1); c.136-56315G>A (NM_001382569.1); c.-98-56315G>A (NM_001382571.1); short protein forms C49Y.
Identifiers: ClinVar variation 645596 (VCV000645596.10), dbSNP rs1590608659, ClinGen allele CA379484845.

ClinVar aggregate classification (germline): Uncertain significance (1 of 4 stars; one submission).

Conditions:
Combined immunodeficiency due to STIM1 deficiency. Also called: STIM1 DEFICIENCY; IMMUNODEFICIENCY 10. Identifiers: Orphanet 169090, Orphanet 317430, MedGen C2748557, MONDO:0013008, OMIM 612783.
Stormorken syndrome (STRMK). Also called: THROMBOCYTOPATHY, ASPLENIA, AND MIOSIS. Identifiers: Orphanet 3204, MedGen C1861451, MONDO:0008497, OMIM 185070.
Myopathy with tubular aggregates (TAM). Also called: Tubular Aggregate Myopathy. Identifiers: Orphanet 2593, MedGen C0410207, MONDO:0008051.

Allele frequency attached by ClinVar (database versions not stated): gnomAD exomes below 0.00001.
gnomAD v4.1: 1 of 1,614,140 alleles (0.000062%); highest among the groups gnomAD compares: Non-Finnish European, 0.000085%; no homozygotes.

Submission:

Labcorp Genetics (formerly Invitae), Labcorp
Classification: Uncertain significance for Myopathy with tubular aggregates; Combined immunodeficiency due to STIM1 deficiency; Stormorken syndrome. Last evaluated: 2022-03-14. Review status: criteria provided, single submitter. Criteria: Invitae Variant Classification Sherloc (09022015). Collection method: clinical testing. Allele origin: germline.
Comment: This sequence change replaces cysteine, which is neutral and slightly polar, with tyrosine, which is neutral and polar, at codon 49 of the STIM1 protein (p.Cys49Tyr). This variant is not present in population databases (gnomAD no frequency). This variant has not been reported in the literature in individuals affected with STIM1-related conditions. ClinVar contains an entry for this variant (Variation ID: 645596). Algorithms developed to predict the effect of missense changes on protein structure and function are either unavailable or do not agree on the potential impact of this missense change (SIFT: "Deleterious"; PolyPhen-2: "Probably Damaging"; Align-GVGD: "Class C0"). In summary, the available evidence is currently insufficient to determine the role of this variant in disease. Therefore, it has been classified as a Variant of Uncertain Significance.